The following is an entry in ClinVar:

NM_025114.4(CEP290):c.5698A>G (p.Met1900Val)

Gene: CEP290 (centrosomal protein 290; minus strand). Cytogenetic location: 12q21.32.
Variant type: single nucleotide variant.
Coding change: c.5698A>G on transcript NM_025114.4 (MANE Select); coding-DNA position 5698, A replaced by G.
Protein change: p.Met1900Val; replaces methionine 1900 with valine.
Molecular consequence: missense variant.
Genome position (GRCh38, 1-based): chr12:88,077,233, T>C on the plus strand (A>G on the coding strand, the complement: CEP290 is on the minus strand). VCF-style: chr12-88077233-T-C. GRCh37 (hg19) VCF-style: chr12-88471010-T-C.
Other names: c.5698A>G (NM_025114.3); short protein forms M1900V.
Identifiers: ClinVar variation 1484181 (VCV001484181.6), dbSNP rs1415835597, ClinGen allele CA385987262.

ClinVar aggregate classification (germline): Uncertain significance. Review status: criteria provided, multiple submitters, no conflicts (2 of 4 stars). 2 submissions from 2 submitters: Uncertain significance (2). Last evaluated 2026-04-18.

Conditions:
Nephronophthisis. Also called: Juvenile Nephronophthisis. Identifiers: Orphanet 655, MedGen C0687120, MONDO:0019005, HP:0000090.
Joubert syndrome. Also called: Familial aplasia of the vermis; JOUBERT-BOLTSHAUSER SYNDROME. Identifiers: Orphanet 475, MedGen C5979921, MONDO:0018772.
Meckel-Gruber syndrome. Also called: Dysencephalia splachnocystica; DYSENCEPHALIA SPLANCHNOCYSTICA; GRUBER SYNDROME. Identifiers: Orphanet 564, MedGen C0265215, MONDO:0018921.
CEP290-related disorder. Also called: CEP290-related disorders; CEP290-related condition. Identifiers: MedGen CN239314.

Allele frequency attached by ClinVar (database versions not stated): gnomAD exomes below 0.00001.

Submissions (2):

PreventionGenetics, part of Exact Sciences
Classification: Uncertain significance for CEP290-related condition. Last evaluated: 2026-04-18. Review status: criteria provided, single submitter. Criteria: ACMG Guidelines, 2015. Collection method: clinical testing. Allele origin: germline.
Comment: The CEP290 c.5698A>G variant is predicted to result in the amino acid substitution p.Met1900Val. To our knowledge, this variant has not been reported in the literature. This variant is reported in 0.0058% of alleles in individuals of East Asian descent in gnomAD. At this time, the clinical significance of this variant is uncertain due to the absence of conclusive functional and genetic evidence.

Labcorp Genetics (formerly Invitae), Labcorp
Classification: Uncertain significance for Joubert syndrome; Meckel-Gruber syndrome; Nephronophthisis. Last evaluated: 2021-09-01. Review status: criteria provided, single submitter. Criteria: Invitae Variant Classification Sherloc (09022015). Collection method: clinical testing. Allele origin: germline.
Comment: This sequence change replaces methionine with valine at codon 1900 of the CEP290 protein (p.Met1900Val). The methionine residue is weakly conserved and there is a small physicochemical difference between methionine and valine. This variant is not present in population databases (ExAC no frequency). This variant has not been reported in the literature in individuals affected with CEP290-related conditions. Algorithms developed to predict the effect of missense changes on protein structure and function output the following: SIFT: "Tolerated"; PolyPhen-2: "Benign"; Align-GVGD: "Class C0". The valine amino acid residue is found in multiple mammalian species, which suggests that this missense change does not adversely affect protein function. In summary, the available evidence is currently insufficient to determine the role of this variant in disease. Therefore, it has been classified as a Variant of Uncertain Significance.